The following is an entry in ClinVar:

ClinVar aggregate classification (germline): Likely pathogenic (1 of 4 stars; one submission).

Submission:

Mayo Clinic Laboratories, Mayo Clinic
Classification: Likely pathogenic. Last evaluated: 2019-09-26. Review status: criteria provided, single submitter. Criteria: ACMG Guidelines, 2015. Collection method: clinical testing. Allele origin: germline. Observed: 1 variant allele.
Comment: PVS1, PM2

NM_000037.4(ANK1):c.2014del (p.Leu672fs)

Gene: ANK1 (ankyrin 1; minus strand). Cytogenetic location: 8p11.21.
Variant type: Deletion.
Coding change: c.2014del on transcript NM_000037.4 (MANE Select); coding-DNA position 2014, one base deleted (C; older notation c.2014delC).
Protein change: p.Leu672fs; shifts the reading frame from leucine 672.
Molecular consequence: frameshift variant.
Genome position (GRCh38, 1-based): chr8:41,706,226, G deleted on the plus strand (C on the coding strand, the reverse complement: ANK1 is on the minus strand); the first of 4 consecutive G bases (chr8:41,706,226-41,706,229); deleting any one gives the same sequence. VCF-style (leftmost placement, unchanged base first): chr8-41706225-AG-A. GRCh37 (hg19) VCF-style: chr8-41563743-AG-A.
Other names: c.2113del, p.Leu705fs (NM_001142446.2); c.2014del, p.Leu672fs (NM_020475.3, NM_020476.3, NM_020477.3); short protein forms L672fs, L705fs.
Identifiers: ClinVar variation 1163891 (VCV001163891.5), dbSNP rs2150616471, ClinGen allele CA2499219306.